The following is an entry in ClinVar:

NM_020971.3(SPTBN4):c.3375G>C (p.Ala1125=)

Gene: SPTBN4 (spectrin beta, non-erythrocytic 4; plus strand). Cytogenetic location: 19q13.2.
Variant type: single nucleotide variant.
Coding change: c.3375G>C on transcript NM_020971.3 (MANE Select); coding-DNA position 3375, G replaced by C.
Protein change: p.Ala1125=; no amino-acid change (alanine 1125 retained).
Molecular consequence: synonymous variant.
Genome position (GRCh38, 1-based): chr19:40,519,872, G>C. VCF-style: chr19-40519872-G-C. GRCh37 (hg19) VCF-style: chr19-41025779-G-C.
Identifiers: ClinVar variation 3389575 (VCV003389575.14).
Genomic context (GRCh38, chr19:40,519,872, plus strand): 5'-GCGCGCCCAGGAGGCGGCGGGCGGCAGCGAGGGGCCCCTGCCCAACAGCCTAGAAGAGGC[G>C]GACGCGCTGCTGGCGCGCCACGCTGCGCTCAAGGAGGAGGTGGACCAGCGCGAGGAAGAC-3'
Protein context (NP_066022.2, residues 1115-1135): EGPLPNSLEE[Ala1125=]DALLARHAAL

ClinVar aggregate classification (germline): Likely benign (1 of 4 stars; one submission).

gnomAD v4.1: 1 of 1,499,526 alleles (0.000067%); highest among the groups gnomAD compares: African/African-American, 0.0014%; no homozygotes.

Submission:

CeGaT Center for Human Genetics Tuebingen
Classification: Likely benign. Last evaluated: 2024-09-01. Review status: criteria provided, single submitter. Criteria: CeGaT Center For Human Genetics Tuebingen Variant Classification Criteria Version 2. Collection method: clinical testing. Allele origin: germline. Affected: yes. Observed: 1 variant allele.
Comment: SPTBN4: BP4, BP7